The following is an entry in ClinVar:

NM_000540.3(RYR1):c.6459G>A (p.Met2153Ile)

Gene: RYR1 (ryanodine receptor 1; plus strand). Cytogenetic location: 19q13.2.
Variant type: single nucleotide variant.
Coding change: c.6459G>A on transcript NM_000540.3 (MANE Select); coding-DNA position 6459, G replaced by A.
Protein change: p.Met2153Ile; replaces methionine 2153 with isoleucine.
Molecular consequence: missense variant.
Genome position (GRCh38, 1-based): chr19:38,494,536, G>A. VCF-style: chr19-38494536-G-A. GRCh37 (hg19) VCF-style: chr19-38985176-G-A.
Other names: c.6459G>A, p.Met2153Ile (NM_001042723.2); short protein forms M2153I.
Identifiers: ClinVar variation 4085926 (VCV004085926.8).

ClinVar aggregate classification (germline): Uncertain significance (1 of 4 stars; one submission).

gnomAD v4.1: 3 of 1,614,020 alleles (0.00019%); highest among the groups gnomAD compares: Non-Finnish European, 0.00025%; no homozygotes.

Submission:

CeGaT Center for Human Genetics Tuebingen
Classification: Uncertain significance. Last evaluated: 2025-08-01. Review status: criteria provided, single submitter. Criteria: CeGaT Center For Human Genetics Tuebingen Variant Classification Criteria Version 2. Collection method: clinical testing. Allele origin: germline. Affected: yes. Observed: 1 variant allele.
Comment: RYR1: PM2